The following is an entry in ClinVar:

NM_021075.4(NDUFV3):c.48+7G>A

Gene: NDUFV3 (NADH:ubiquinone oxidoreductase subunit V3; plus strand). Cytogenetic location: 21q22.3.
Variant type: single nucleotide variant.
Coding change: c.48+7G>A on transcript NM_021075.4 (MANE Select); 7 bases into the intron after coding-DNA position 48, G replaced by A.
Molecular consequence: intron variant.
Genome position (GRCh38, 1-based): chr21:42,893,388, G>A. VCF-style: chr21-42893388-G-A. GRCh37 (hg19) VCF-style: chr21-44313498-G-A.
Other names: c.48+7G>A (NM_001001503.2).
Identifiers: ClinVar variation 3055876 (VCV003055876.2), dbSNP rs141846205, ClinGen allele CA10046372.

ClinVar aggregate classification (germline): Likely benign (0 of 4 stars; one submission).

Conditions:
NDUFV3-related disorder. Also called: NDUFV3-related condition.

Allele frequency attached by ClinVar (database versions not stated): ESP Exome Variant Server 0.00211; 1000 Genomes Project 0.00300; 1000 Genomes Project 30x 0.00375; gnomAD 0.00445; ExAC 0.00454; TOPMed 0.00544; gnomAD exomes 0.00574.
gnomAD v4.1: 8,784 of 1,536,878 alleles (0.57%); highest among the groups gnomAD compares: Middle Eastern, 1.8%; 38 homozygotes.

Submission:

PreventionGenetics, part of Exact Sciences
Classification: Likely benign for NDUFV3-related condition. Last evaluated: 2021-12-30. Review status: no assertion criteria provided. Collection method: clinical testing. Allele origin: germline.
Comment: This variant is classified as likely benign based on ACMG/AMP sequence variant interpretation guidelines (Richards et al. 2015 PMID: 25741868, with internal and published modifications).